The following is an entry in ClinVar:

ClinVar aggregate classification (germline): Uncertain significance (1 of 4 stars; one submission).

Allele frequency attached by ClinVar (database versions not stated): gnomAD exomes below 0.00001.
gnomAD v4.1: 1 of 1,609,590 alleles (0.000062%); highest among the groups gnomAD compares: Admixed American, 0.0017%; no homozygotes.

Submission:

Labcorp Genetics (formerly Invitae), Labcorp
Classification: Uncertain significance. Last evaluated: 2022-02-17. Review status: criteria provided, single submitter. Criteria: Invitae Variant Classification Sherloc (09022015). Collection method: clinical testing. Allele origin: germline.
Comment: In summary, the available evidence is currently insufficient to determine the role of this variant in disease. Therefore, it has been classified as a Variant of Uncertain Significance. Algorithms developed to predict the effect of missense changes on protein structure and function output the following: SIFT: "Tolerated"; PolyPhen-2: "Benign"; Align-GVGD: "Class C0". The glutamic acid amino acid residue is found in multiple mammalian species, which suggests that this missense change does not adversely affect protein function. This variant has not been reported in the literature in individuals affected with PROM1-related conditions. This variant is not present in population databases (gnomAD no frequency). This sequence change replaces aspartic acid, which is acidic and polar, with glutamic acid, which is acidic and polar, at codon 673 of the PROM1 protein (p.Asp673Glu).

NM_006017.3(PROM1):c.2019T>A (p.Asp673Glu)

Gene: PROM1 (prominin 1; minus strand). Cytogenetic location: 4p15.32.
Variant type: single nucleotide variant.
Coding change: c.2019T>A on transcript NM_006017.3 (MANE Select); coding-DNA position 2019, T replaced by A.
Protein change: p.Asp673Glu; replaces aspartic acid 673 with glutamic acid.
Molecular consequence: missense variant.
Genome position (GRCh38, 1-based): chr4:15,989,789, A>T on the plus strand (T>A on the coding strand, the complement: PROM1 is on the minus strand). VCF-style: chr4-15989789-A-T. GRCh37 (hg19) VCF-style: chr4-15991412-A-T.
Other names: c.1992T>A, p.Asp664Glu (NM_001145847.2, NM_001145848.2, NM_001145851.2 and 4 more transcripts); c.2019T>A, p.Asp673Glu (NM_001145849.2, NM_001145850.2); short protein forms D673E, D664E.
Identifiers: ClinVar variation 2067707 (VCV002067707.4), dbSNP rs2475172791, ClinGen allele CA356430233.